The following is an entry in ClinVar:

NM_004370.6(COL12A1):c.170T>C (p.Ile57Thr)

Gene: COL12A1 (collagen type XII alpha 1 chain; minus strand). Cytogenetic location: 6q13.
Variant type: single nucleotide variant.
Coding change: c.170T>C on transcript NM_004370.6 (MANE Select); coding-DNA position 170, T replaced by C.
Protein change: p.Ile57Thr; replaces isoleucine 57 with threonine.
Molecular consequence: missense variant. On other transcripts: intron variant (2).
Genome position (GRCh38, 1-based): chr6:75,194,851, A>G on the plus strand (T>C on the coding strand, the complement: COL12A1 is on the minus strand). VCF-style: chr6-75194851-A-G. GRCh37 (hg19) VCF-style: chr6-75904567-A-G.
Other names: c.170T>C, p.Ile57Thr (NM_001424113.1, NM_001424114.1, NM_001424115.1); c.73+7869T>C (NM_001424116.1, NM_080645.3); short protein forms I57T.
Identifiers: ClinVar variation 3373714 (VCV003373714.1).

ClinVar aggregate classification (germline): Uncertain significance (1 of 4 stars; one submission).

gnomAD v4.1: 2 of 1,611,064 alleles (0.00012%); highest among the groups gnomAD compares: Non-Finnish European, 0.00017%; no homozygotes.

Submission:

GeneDx
Classification: Uncertain significance. Last evaluated: 2024-03-05. Review status: criteria provided, single submitter. Criteria: GeneDx Variant Classification Process June 2021. Collection method: clinical testing. Allele origin: germline. Affected: yes.
Comment: Has not been previously published as pathogenic or benign to our knowledge; In silico analysis supports that this missense variant does not alter protein structure/function